The following is an entry in ClinVar:

NM_000135.4(FANCA):c.1363T>C (p.Ser455Pro)

Gene: FANCA (FA complementation group A; minus strand). Cytogenetic location: 16q24.3.
Variant type: single nucleotide variant.
Coding change: c.1363T>C on transcript NM_000135.4 (MANE Select); coding-DNA position 1363, T replaced by C.
Protein change: p.Ser455Pro; replaces serine 455 with proline.
Molecular consequence: missense variant.
Genome position (GRCh38, 1-based): chr16:89,784,961, A>G on the plus strand (T>C on the coding strand, the complement: FANCA is on the minus strand). VCF-style: chr16-89784961-A-G. GRCh37 (hg19) VCF-style: chr16-89851369-A-G.
Other names: c.1363T>C, p.Ser455Pro (NM_001286167.3); short protein forms S455P.
Identifiers: ClinVar variation 4254241 (VCV004254241.1).
Genomic context (GRCh38, chr16:89,784,961, plus strand): 5'-TAAACAGGAAGACCAGGGCCTTCTTGCTGCAGCCATGGTAGCCTCGTGTGCTCCCAAAGG[A>G]GGCCTGTGTGGAGAGAAGAGCGTGAAGCCCAGGACAGCCAGGCGCGGCTGCACCACCTAG-3'
Protein context (NP_000126.2, residues 445-465): FLSYADWFKA[Ser455Pro]FGSTRGYHGC

ClinVar aggregate classification (germline): Uncertain significance (1 of 4 stars; one submission).

Conditions:
Inborn genetic diseases. Identifiers: MedGen C0950123, MeSH D030342.

Submission:

Ambry Genetics
Classification: Uncertain significance for Inborn genetic diseases. Last evaluated: 2025-08-01. Review status: criteria provided, single submitter. Criteria: Ambry Variant Classification Scheme 2023. Collection method: clinical testing. Allele origin: germline.
Comment: The p.S455P variant (also known as c.1363T>C), located in coding exon 15 of the FANCA gene, results from a T to C substitution at nucleotide position 1363. The serine at codon 455 is replaced by proline, an amino acid with similar properties. This amino acid position is conserved. In addition, the in silico prediction for this alteration is inconclusive. Based on the available evidence, the clinical significance of this variant remains unclear.